The following is an entry in ClinVar:

NM_000465.4(BARD1):c.1519G>T (p.Val507Leu)

Gene: BARD1 (BRCA1 associated RING domain 1; minus strand). Cytogenetic location: 2q35.
Variant type: single nucleotide variant.
Coding change: c.1519G>T on transcript NM_000465.4 (MANE Select); coding-DNA position 1519, G replaced by T.
Protein change: p.Val507Leu; replaces valine 507 with leucine.
Molecular consequence: missense variant. On other transcripts: non-coding transcript variant (3), intron variant (3).
Genome position (GRCh38, 1-based): chr2:214,767,531, C>A on the plus strand (G>T on the coding strand, the complement: BARD1 is on the minus strand). VCF-style: chr2-214767531-C-A. GRCh37 (hg19) VCF-style: chr2-215632255-C-A.
Other names: c.1462G>T, p.Val488Leu (NM_001282543.2); c.159-14976G>T (NM_001282548.2); c.216-14976G>T (NM_001282545.2); c.364+24766G>T (NM_001282549.2); short protein forms V488L, V507L.
Identifiers: ClinVar variation 642866 (VCV000642866.18), dbSNP rs2070094, ClinGen allele CA350448273.
Genomic context (GRCh38, chr2:214,767,531, plus strand): 5'-GAACTACTTACACAGCATTTCTGGAGGCTCCATAGGAAAGTAACAGCTTGACTATATCCA[C>A]ATGCCCATTCTTGGCTGCATCGTGAAGTGGTGAGTCATTTTGATACCCGGTGGTGTTCAC-3'
Protein context (NP_000456.2, residues 497-517): PLHDAAKNGH[Val507Leu]DIVKLLLSYG

ClinVar aggregate classification (germline): Conflicting classifications of pathogenicity. Review status: criteria provided, conflicting classifications (1 of 4 stars). 5 submissions from 5 submitters: Uncertain significance (4); Likely benign (1). Last evaluated 2025-09-27.

Conditions:
Hereditary cancer-predisposing syndrome. Also called: Neoplastic Syndromes, Hereditary; Tumor predisposition; Hereditary neoplastic syndrome; Hereditary Cancer Syndrome. Identifiers: Orphanet 140162, MedGen C0027672, MeSH D009386, MONDO:0015356.
BARD1-related cancer predisposition. Identifiers: MedGen CN377756, MONDO:0700267.
Familial cancer of breast. Also called: hereditary breast carcinoma; BREAST CANCER, FAMILIAL; Hereditary breast cancer. Identifiers: Orphanet 227535, MedGen C0346153, MONDO:0016419, OMIM 114480. Disease mechanism: loss of function.

gnomAD v4.1: 7 of 1,613,572 alleles (0.00043%); highest among the groups gnomAD compares: East Asian, 0.016%; no homozygotes.

Submissions (5):

Labcorp Genetics (formerly Invitae), Labcorp
Classification: Uncertain significance for Familial cancer of breast. Last evaluated: 2025-09-27. Review status: criteria provided, single submitter. Criteria: Invitae Variant Classification Sherloc (09022015). Collection method: clinical testing. Allele origin: germline.
Comment: This sequence change replaces valine, which is neutral and non-polar, with leucine, which is neutral and non-polar, at codon 507 of the BARD1 protein (p.Val507Leu). This variant is present in population databases (no rsID available, gnomAD 0.04%). This variant has not been reported in the literature in individuals affected with BARD1-related conditions. ClinVar contains an entry for this variant (Variation ID: 642866). An algorithm developed to predict the effect of missense changes on protein structure and function outputs the following: PolyPhen-2: "Benign". The leucine amino acid residue is found in multiple mammalian species, which suggests that this missense change does not adversely affect protein function. In summary, the available evidence is currently insufficient to determine the role of this variant in disease. Therefore, it has been classified as a Variant of Uncertain Significance.

Molecular Pathology, Peter Maccallum Cancer Centre
Classification: Uncertain significance for BARD1-related cancer predisposition. Last evaluated: 2025-04-11. Review status: criteria provided, single submitter. Criteria: ACMG Guidelines, 2015. Collection method: clinical testing. Allele origin: germline. Inheritance: Autosomal dominant inheritance.

Ambry Genetics
Classification: Likely benign for Hereditary cancer-predisposing syndrome. Last evaluated: 2024-02-26. Review status: criteria provided, single submitter. Criteria: Ambry Variant Classification Scheme 2023. Collection method: clinical testing. Allele origin: germline.

Sema4
Classification: Uncertain significance for Hereditary cancer-predisposing syndrome. Last evaluated: 2021-11-02. Review status: criteria provided, single submitter. Criteria: Sema4 Curation Guidelines. Collection method: curation. Allele origin: germline.
Comment: The BARD1 c.1519G>T (p.V507L) variant has not been reported in literature to our knowledge. This variant was observed in 7/19944 chromosomes in the East Asian subpopulation in the large and broad cohorts of the Genome Aggregation Database (PMID: 32461654). This variant has been reported in ClinVar (Variation ID: 642866). In silico tools suggest the impact of the variant on protein function is benign, though these predictions have not been confirmed by functional studies. The evidence is insufficient to meet ACMG/AMP criteria for classifying the variant as benign or pathogenic. Thus, the clinical significance of this variant is currently uncertain.

Department of Pathology and Laboratory Medicine, Sinai Health System
Classification: Uncertain significance for BARD1-related cancer predisposition. Last evaluated: 2019-11-13. Review status: criteria provided, single submitter. Criteria: ACMG Guidelines, 2015. Collection method: clinical testing. Allele origin: germline. Affected: yes.